The following is an entry in ClinVar:

ClinVar aggregate classification (germline): Uncertain significance (1 of 4 stars; one submission).

gnomAD v4.1: 18 of 1,536,868 alleles (0.0012%); highest among the groups gnomAD compares: Admixed American, 0.0022%; no homozygotes.

Submission:

Labcorp Genetics (formerly Invitae), Labcorp
Classification: Uncertain significance. Last evaluated: 2025-10-02. Review status: criteria provided, single submitter. Criteria: Invitae Variant Classification Sherloc (09022015). Collection method: clinical testing. Allele origin: germline.
Comment: This sequence change falls in intron 9 of the CIT gene. It does not directly change the encoded amino acid sequence of the CIT protein. This variant is present in population databases (no rsID available, gnomAD 0.001%). This variant has not been reported in the literature in individuals affected with CIT-related conditions. Algorithms developed to predict the effect of sequence changes on RNA splicing suggest that this variant may disrupt the consensus splice site. In summary, the available evidence is currently insufficient to determine the role of this variant in disease. Therefore, it has been classified as a Variant of Uncertain Significance.

NM_001206999.2(CIT):c.1112-5A>G

Gene: CIT (citron rho-interacting serine/threonine kinase; minus strand). Cytogenetic location: 12q24.23.
Variant type: single nucleotide variant.
Coding change: c.1112-5A>G on transcript NM_001206999.2 (MANE Select); 5 bases into the intron before coding-DNA position 1112, A replaced by G.
Molecular consequence: intron variant.
Genome position (GRCh38, 1-based): chr12:119,803,394, T>C on the plus strand (A>G on the coding strand, the complement: CIT is on the minus strand). VCF-style: chr12-119803394-T-C. GRCh37 (hg19) VCF-style: chr12-120241198-T-C.
Other names: c.1112-5A>G (NM_007174.3).
Identifiers: ClinVar variation 4779442 (VCV004779442.1).